The following is an entry in ClinVar:

ClinVar aggregate classification (germline): Pathogenic/Likely pathogenic. Review status: criteria provided, multiple submitters, no conflicts (2 of 4 stars). 2 submissions from 2 submitters: Pathogenic (1); Likely pathogenic (1). Last evaluated 2025-06-12.

Conditions:
Tay-Sachs disease (TSD). Also called: Hexosaminidase A Deficiency; HEXA Disorders; GM2 gangliosidosis, type 1; Hexosaminidase alpha-subunit deficiency (variant B); Sphingolipidosis, Tay-Sachs; HEXA DEFICIENCY. Identifiers: Orphanet 845, MedGen C0039373, MONDO:0010100, OMIM 272800.

Submissions (2):

Natera, Inc.
Classification: Likely pathogenic for Tay-Sachs disease. Last evaluated: 2025-06-12. Review status: criteria provided, single submitter. Criteria: Natera Variant Classification Schema (03/2026). Collection method: clinical testing. Allele origin: germline.
Comment: The c.1419_1420delCT variant in HEXA is a frameshift variant predicted to shift the reading frame beginning at codon 474 and leads to a stop codon 18 codons downstream. This variant is expected to result in nonsense mediated decay, truncation, or a dysfunctional protein product. This variant is rare in the general population with a frequency below the threshold expected for the associated phenotype(s). Given the available evidence, this variant is classified as Likely Pathogenic.

Labcorp Genetics (formerly Invitae), Labcorp
Classification: Pathogenic for Tay-Sachs disease. Last evaluated: 2025-03-17. Review status: criteria provided, single submitter. Criteria: Invitae Variant Classification Sherloc (09022015). Collection method: clinical testing. Allele origin: germline.
Comment: This sequence change creates a premature translational stop signal (p.Trp474Alafs*18) in the HEXA gene. It is expected to result in an absent or disrupted protein product. Loss-of-function variants in HEXA are known to be pathogenic (PMID: 1833974, 8490625). This variant is present in population databases (no rsID available, gnomAD 0.01%). This variant has not been reported in the literature in individuals affected with HEXA-related conditions. ClinVar contains an entry for this variant (Variation ID: 961970). For these reasons, this variant has been classified as Pathogenic.

Literature cited by the submitters: PubMed 1833974 (cited by Labcorp Genetics (formerly Invitae), Labcorp); PubMed 8490625 (cited by Labcorp Genetics (formerly Invitae), Labcorp).

NM_000520.6(HEXA):c.1419_1420del (p.Trp474fs)

Gene: HEXA (hexosaminidase subunit alpha; minus strand). Cytogenetic location: 15q23.
Variant type: Microsatellite.
Coding change: c.1419_1420del on transcript NM_000520.6 (MANE Select); coding-DNA positions 1419 to 1420, 2 bases deleted (CT; older notation c.1419_1420delCT).
Protein change: p.Trp474fs; shifts the reading frame from tryptophan 474.
Molecular consequence: frameshift variant. On other transcripts: non-coding transcript variant (1).
Genome position (GRCh38, 1-based): chr15:72,346,236-72,346,237, AG deleted on the plus strand (CT on the coding strand, the reverse complement: HEXA is on the minus strand); deleting any 2 consecutive bases within chr15:72,346,236-72,346,239 gives the same sequence; the c. name uses the placement nearest the transcript's 3' end. VCF-style (leftmost placement, unchanged base first): chr15-72346235-CAG-C. GRCh37 (hg19) VCF-style: chr15-72638576-CAG-C.
Other names: c.1452_1453del, p.Trp485fs (NM_001318825.2); c.1419_1420delCT (NM_000520.5); short protein forms W474fs, W485fs.
Identifiers: ClinVar variation 961970 (VCV000961970.9), dbSNP rs987921756, ClinGen allele CA272609711.